The following is an entry in ClinVar:

ClinVar aggregate classification (germline): Uncertain significance. Review status: criteria provided, multiple submitters, no conflicts (2 of 4 stars). 2 submissions from 2 submitters: Uncertain significance (2). Last evaluated 2022-02-25.

Conditions:
Inborn genetic diseases. Identifiers: MedGen C0950123, MeSH D030342.

gnomAD v4.1: 13 of 1,614,034 alleles (0.00081%); highest among the groups gnomAD compares: Admixed American, 0.0033%; no homozygotes.

Submissions (2):

Labcorp Genetics (formerly Invitae), Labcorp
Classification: Uncertain significance. Last evaluated: 2022-02-25. Review status: criteria provided, single submitter. Criteria: Invitae Variant Classification Sherloc (09022015). Collection method: clinical testing. Allele origin: germline.
Comment: This sequence change replaces leucine, which is neutral and non-polar, with valine, which is neutral and non-polar, at codon 160 of the TTPA protein (p.Leu160Val). This variant is present in population databases (no rsID available, gnomAD 0.006%). This variant has not been reported in the literature in individuals affected with TTPA-related conditions. Algorithms developed to predict the effect of missense changes on protein structure and function (SIFT, PolyPhen-2, Align-GVGD) all suggest that this variant is likely to be disruptive. In summary, the available evidence is currently insufficient to determine the role of this variant in disease. Therefore, it has been classified as a Variant of Uncertain Significance.

Ambry Genetics
Classification: Uncertain significance for Inborn genetic diseases. Last evaluated: 2021-09-30. Review status: criteria provided, single submitter. Criteria: Ambry Variant Classification Scheme 2023. Collection method: clinical testing. Allele origin: germline.

NM_000370.3(TTPA):c.478C>G (p.Leu160Val)

Gene: TTPA (alpha tocopherol transfer protein; minus strand). Cytogenetic location: 8q12.3.
Variant type: single nucleotide variant.
Coding change: c.478C>G on transcript NM_000370.3 (MANE Select); coding-DNA position 478, C replaced by G.
Protein change: p.Leu160Val; replaces leucine 160 with valine.
Molecular consequence: missense variant.
Genome position (GRCh38, 1-based): chr8:63,065,978, G>C on the plus strand (C>G on the coding strand, the complement: TTPA is on the minus strand). VCF-style: chr8-63065978-G-C. GRCh37 (hg19) VCF-style: chr8-63978537-G-C.
Other names: c.478C>G, p.Leu160Val (NM_001413416.1); c.595C>G, p.Leu199Val (NM_001413418.1); short protein forms L199V, L160V.
Identifiers: ClinVar variation 2161992 (VCV002161992.2), dbSNP rs767879332, ClinGen allele CA371332619.
Genomic context (GRCh38, chr8:63,065,978, plus strand): 5'-CAATCTTCTTGGCTACGGATGGAGTGATTTGAAAAGCATGAGAAAACTGCCAACCTTCCA[G>C]ATCAAAGATAGCCTTGATTCCATTCCGCTGAGTTTCTACCTCCTGTACAATAAGCTCGGA-3'
Protein context (NP_000361.1, residues 150-170): QRNGIKAIFD[Leu160Val]EGWQFSHAFQ